The following is an entry in ClinVar:

ClinVar aggregate classification (germline): Uncertain significance (1 of 4 stars; one submission).

Allele frequency attached by ClinVar (database versions not stated): gnomAD exomes below 0.00001.
gnomAD v4.1: 1 of 1,614,140 alleles (0.000062%); highest among the groups gnomAD compares: Admixed American, 0.0017%; no homozygotes.

Submission:

Labcorp Genetics (formerly Invitae), Labcorp
Classification: Uncertain significance. Last evaluated: 2023-03-02. Review status: criteria provided, single submitter. Criteria: Invitae Variant Classification Sherloc (09022015). Collection method: clinical testing. Allele origin: germline.
Comment: This sequence change replaces tryptophan, which is neutral and slightly polar, with arginine, which is basic and polar, at codon 196 of the MYSM1 protein (p.Trp196Arg). This variant is not present in population databases (gnomAD no frequency). This variant has not been reported in the literature in individuals affected with MYSM1-related conditions. Advanced modeling of protein sequence and biophysical properties (such as structural, functional, and spatial information, amino acid conservation, physicochemical variation, residue mobility, and thermodynamic stability) performed at Invitae indicates that this missense variant is not expected to disrupt MYSM1 protein function. In summary, the available evidence is currently insufficient to determine the role of this variant in disease. Therefore, it has been classified as a Variant of Uncertain Significance.

NM_001085487.3(MYSM1):c.586T>C (p.Trp196Arg)

Gene: MYSM1 (Myb like, SWIRM and MPN domains 1; minus strand). Cytogenetic location: 1p32.1.
Variant type: single nucleotide variant.
Coding change: c.586T>C on transcript NM_001085487.3 (MANE Select); coding-DNA position 586, T replaced by C.
Protein change: p.Trp196Arg; replaces tryptophan 196 with arginine.
Molecular consequence: missense variant.
Genome position (GRCh38, 1-based): chr1:58,682,458, A>G on the plus strand (T>C on the coding strand, the complement: MYSM1 is on the minus strand). VCF-style: chr1-58682458-A-G. GRCh37 (hg19) VCF-style: chr1-59148130-A-G.
Other names: short protein forms W196R.
Identifiers: ClinVar variation 2969754 (VCV002969754.3), dbSNP rs2524286776, ClinGen allele CA340529385.
Genomic context (GRCh38, chr1:58,682,458, plus strand): 5'-TTTCAATTTTTACAGCATTCAAGTTGGGATCAGCACGTCCCCTTAAACATGATGGTGTCC[A>G]TGCCTTTGTCCCTTTATCTTCATTTTTAACTTGAAGATTATGGCCGGTCTTCTGATTTGG-3'
Protein context (NP_001078956.1, residues 186-206): VKNEDKGTKA[Trp196Arg]TPSCLRGRAD